The following is an entry in ClinVar:

NM_033305.3(VPS13A):c.6272dup (p.Ser2092fs)

Gene: VPS13A (vacuolar protein sorting 13 homolog A; plus strand). Cytogenetic location: 9q21.2.
Variant type: Duplication.
Coding change: c.6272dup on transcript NM_033305.3 (MANE Select); coding-DNA position 6272, one base duplicated (T; older notation c.6272dupT).
Protein change: p.Ser2092fs; shifts the reading frame from serine 2092.
Molecular consequence: frameshift variant.
Genome position (GRCh38, 1-based): chr9:77,337,431, T duplicated. VCF-style (leftmost placement, unchanged base first): chr9-77337430-C-CT. GRCh37 (hg19) VCF-style: chr9-79952346-C-CT.
Other names: c.6155dup, p.Ser2053fs (NM_001018037.2); c.6272dup, p.Ser2092fs (NM_001018038.3, NM_015186.4); short protein forms S2053fs, S2092fs.
Identifiers: ClinVar variation 2770461 (VCV002770461.3), dbSNP rs2538065718, ClinGen allele CA2697557787.
Genomic context (GRCh38, chr9:77,337,430, plus strand): 5'-AACCCTTCTAAGGAATCATTTCTCATTAATATTGTTCCAGAAAAAGATAATTTAACATCT[C>CT]TATCAGTGTATTCAGAAGATGGTTGGGATTTACCATACATAATGCATTTGTGGCCACCTA-3'

ClinVar aggregate classification (germline): Pathogenic (1 of 4 stars; one submission).

Submission:

Labcorp Genetics (formerly Invitae), Labcorp
Classification: Pathogenic. Last evaluated: 2023-10-22. Review status: criteria provided, single submitter. Criteria: Invitae Variant Classification Sherloc (09022015). Collection method: clinical testing. Allele origin: germline.
Comment: This sequence change creates a premature translational stop signal (p.Ser2092Ilefs*38) in the VPS13A gene. It is expected to result in an absent or disrupted protein product. Loss-of-function variants in VPS13A are known to be pathogenic (PMID: 12404112, 21598378). This variant is not present in population databases (gnomAD no frequency). This variant has not been reported in the literature in individuals affected with VPS13A-related conditions. For these reasons, this variant has been classified as Pathogenic.

Literature cited by the submitters: PubMed 12404112; PubMed 21598378.